The following is an entry in ClinVar:

NM_000310.4(PPT1):c.289C>T (p.Gln97Ter)

Gene: PPT1 (palmitoyl-protein thioesterase 1; minus strand). Cytogenetic location: 1p34.2.
Variant type: single nucleotide variant.
Coding change: c.289C>T on transcript NM_000310.4 (MANE Select); coding-DNA position 289, C replaced by T.
Protein change: p.Gln97Ter; replaces glutamine 97 with a stop codon.
Molecular consequence: nonsense. On other transcripts: intron variant (1).
Genome position (GRCh38, 1-based): chr1:40,092,118, G>A on the plus strand (C>T on the coding strand, the complement: PPT1 is on the minus strand). VCF-style: chr1-40092118-G-A. GRCh37 (hg19) VCF-style: chr1-40557790-G-A.
Other names: c.289C>T, p.Gln97Ter (NM_001363695.2); c.125-2606C>T (NM_001142604.2); short protein forms Q97*.
Identifiers: ClinVar variation 4293071 (VCV004293071.1).

ClinVar aggregate classification (germline): Pathogenic (1 of 4 stars; one submission).

Conditions:
Neuronal ceroid lipofuscinosis 1 (CLN1). Also called: PPT1-Related Neuronal Ceroid-Lipofuscinosis; CEROID LIPOFUSCINOSIS, NEURONAL, 1, VARIABLE AGE AT ONSET. Identifiers: Orphanet 228329, MedGen C1850451, MONDO:0009744, OMIM 256730.

Submission:

3billion
Classification: Pathogenic for Neuronal ceroid lipofuscinosis 1. Last evaluated: 2025-01-30. Review status: criteria provided, single submitter. Criteria: ACMG Guidelines, 2015. Collection method: clinical testing. Allele origin: germline. Affected: yes.
Comment: The variant is not observed in the gnomAD v4.1.0 dataset. Predicted Consequence/Location: Stop-gained (nonsense): predicted to result in a loss or disruption of normal protein function through nonsense-mediated decay (NMD) or protein truncation. Multiple pathogenic variants are reported downstream of the variant. The variant has been reported to be associated with PPT1-related disorder (PMID: 35796208). Therefore, this variant is classified as Pathogenic according to the recommendation of ACMG/AMP guideline.

Literature cited by the submitters: PubMed 35796208.